The following is an entry in ClinVar:

NM_001851.6(COL9A1):c.1231-2A>G

Gene: COL9A1 (collagen type IX alpha 1 chain; minus strand). Cytogenetic location: 6q13.
Variant type: single nucleotide variant.
Coding change: c.1231-2A>G on transcript NM_001851.6 (MANE Select); the canonical splice acceptor site of the intron before coding-DNA position 1231, A replaced by G.
Molecular consequence: splice acceptor variant.
Genome position (GRCh38, 1-based): chr6:70,268,862, T>C on the plus strand (A>G on the coding strand, the complement: COL9A1 is on the minus strand). VCF-style: chr6-70268862-T-C. GRCh37 (hg19) VCF-style: chr6-70978565-T-C.
Other names: c.502-2A>G (NM_001377290.1, NM_078485.4, NM_001377289.1).
Identifiers: ClinVar variation 4854868 (VCV004854868.1).

ClinVar aggregate classification (germline): Pathogenic (1 of 4 stars; one submission).

Conditions:
Stickler syndrome, type 4 (STL4). Identifiers: Orphanet 250984, Orphanet 828, MedGen C3279941, MONDO:0013590, OMIM 614134.

Submission:

3billion
Classification: Pathogenic for Stickler syndrome, type 4. Last evaluated: 2025-09-29. Review status: criteria provided, single submitter. Criteria: ACMG Guidelines, 2015. Collection method: clinical testing. Allele origin: germline. Affected: yes.
Comment: The variant is not observed in the gnomAD v4.1.0 dataset. Predicted Consequence/Location: Canonical splice site: predicted to alter splicing and result in a loss or disruption of normal protein function. Multiple pathogenic loss-of-function variants are reported downstream of the variant. In silico tools predict the variant to alter splicing and produce an abnormal transcript [SpliceAI: 0.93 (spliceogenicity >=0.2, non-spliceogenicity <0.1)]. Therefore, this variant is classified as Pathogenic according to the recommendation of ACMG/AMP guideline.